The following is an entry in ClinVar:

ClinVar aggregate classification (germline): Uncertain significance. Review status: criteria provided, multiple submitters, no conflicts (2 of 4 stars). 2 submissions from 2 submitters: Uncertain significance (2). Last evaluated 2024-05-05.

Submissions (2):

GeneDx
Classification: Uncertain significance. Last evaluated: 2024-05-05. Review status: criteria provided, single submitter. Criteria: GeneDx Variant Classification Process June 2021. Collection method: clinical testing. Allele origin: germline. Affected: yes.
Comment: Not observed at significant frequency in large population cohorts (gnomAD); In silico analysis supports that this missense variant has a deleterious effect on protein structure/function; Has not been previously published as pathogenic or benign to our knowledge

Blueprint Genetics
Classification: Uncertain significance. Last evaluated: 2023-11-13. Review status: criteria provided, single submitter. Criteria: ACMG Guidelines, 2015. Collection method: clinical testing. Allele origin: germline.

NM_000051.4(ATM):c.5059G>C (p.Ala1687Pro)

Gene: ATM (ATM serine/threonine kinase; plus strand). Cytogenetic location: 11q22.3.
Variant type: single nucleotide variant.
Coding change: c.5059G>C on transcript NM_000051.4 (MANE Select); coding-DNA position 5059, G replaced by C.
Protein change: p.Ala1687Pro; replaces alanine 1687 with proline.
Molecular consequence: missense variant.
Genome position (GRCh38, 1-based): chr11:108,299,767, G>C. VCF-style: chr11-108299767-G-C. GRCh37 (hg19) VCF-style: chr11-108170494-G-C.
Other names: c.5059G>C, p.Ala1687Pro (NM_001351834.2); short protein forms A1687P.
Identifiers: ClinVar variation 3375748 (VCV003375748.2).
Genomic context (GRCh38, chr11:108,299,767, plus strand): 5'-TATGTAGAGGCTGTTGGAAGCTGCTTGGGAGAAGTGGGTCCTATAGATTTCTCTACCATA[G>C]CTATACAACATAGTAAAGATGCATCTTATACCAAGGCCCTTAAGTTATTTGAAGATAAAG-3'
Protein context (NP_000042.3, residues 1677-1697): EVGPIDFSTI[Ala1687Pro]IQHSKDASYT